The following is an entry in ClinVar:

ClinVar aggregate classification (germline): Conflicting classifications of pathogenicity. Review status: criteria provided, conflicting classifications (1 of 4 stars). 3 submissions from 3 submitters: Uncertain significance (2); Benign (1). Last evaluated 2025-08-04.

Conditions:
Vibratory urticaria (VBU). Identifiers: MedGen C0157743, MONDO:0006618, OMIM 125630, HP:0410138.

Submissions (3):

Labcorp Genetics (formerly Invitae), Labcorp
Classification: Uncertain significance. Last evaluated: 2025-08-04. Review status: criteria provided, single submitter. Criteria: Invitae Variant Classification Sherloc (09022015). Collection method: clinical testing. Allele origin: germline.
Comment: This sequence change replaces alanine, which is neutral and non-polar, with threonine, which is neutral and polar, at codon 415 of the ADGRE2 protein (p.Ala415Thr). This variant is present in population databases (rs759595432, gnomAD 0.09%), and has an allele count higher than expected for a pathogenic variant. This variant has not been reported in the literature in individuals affected with ADGRE2-related conditions. ClinVar contains an entry for this variant (Variation ID: 2978511). An algorithm developed to predict the effect of missense changes on protein structure and function outputs the following: PolyPhen-2: "Benign". The threonine amino acid residue is found in multiple mammalian species, which suggests that this missense change does not adversely affect protein function. In summary, the available evidence is currently insufficient to determine the role of this variant in disease. Therefore, it has been classified as a Variant of Uncertain Significance.

Dr.Nikuei Genetic Center
Classification: Benign for Vibratory urticaria. Last evaluated: 2024-06-27. Review status: criteria provided, single submitter. Criteria: ACMG Guidelines, 2015. Collection method: clinical testing. Allele origin: germline. Affected: no.

Ambry Genetics
Classification: Uncertain significance. Last evaluated: 2024-05-29. Review status: criteria provided, single submitter. Criteria: Ambry Variant Classification Scheme 2023. Collection method: clinical testing. Allele origin: germline.

NM_013447.4(ADGRE2):c.1243G>A (p.Ala415Thr)

Gene: ADGRE2 (adhesion G protein-coupled receptor E2; minus strand). Cytogenetic location: 19p13.12.
Variant type: single nucleotide variant.
Coding change: c.1243G>A on transcript NM_013447.4 (MANE Select); coding-DNA position 1243, G replaced by A.
Protein change: p.Ala415Thr; replaces alanine 415 with threonine.
Molecular consequence: missense variant.
Genome position (GRCh38, 1-based): chr19:14,755,827, C>T on the plus strand (G>A on the coding strand, the complement: ADGRE2 is on the minus strand). VCF-style: chr19-14755827-C-T. GRCh37 (hg19) VCF-style: chr19-14866639-C-T.
Other names: c.1243G>A, p.Ala415Thr (NM_001271052.1); c.1096G>A, p.Ala366Thr (NM_152916.2); c.964G>A, p.Ala322Thr (NM_152917.2); c.1243G>A (NM_013447.2); short protein forms A415T, A322T, A366T.
Identifiers: ClinVar variation 2978511 (VCV002978511.5), dbSNP rs759595432, ClinGen allele CA9257761.